The following is an entry in ClinVar:

ClinVar aggregate classification (germline): Likely pathogenic (1 of 4 stars; one submission).

Allele frequency attached by ClinVar (database versions not stated): gnomAD exomes below 0.00001.
gnomAD v4.1: 1 of 1,612,186 alleles (0.000062%); highest among the groups gnomAD compares: Non-Finnish European, 0.000085%; no homozygotes.

Submission:

Labcorp Genetics (formerly Invitae), Labcorp
Classification: Likely pathogenic. Last evaluated: 2023-08-10. Review status: criteria provided, single submitter. Criteria: Invitae Variant Classification Sherloc (09022015). Collection method: clinical testing. Allele origin: germline.
Comment: This variant is not present in population databases (gnomAD no frequency). This sequence change affects a donor splice site in intron 12 of the TUBGCP4 gene. It is expected to disrupt RNA splicing. Variants that disrupt the donor or acceptor splice site typically lead to a loss of protein function (PMID: 16199547), and loss-of-function variants in TUBGCP4 are known to be pathogenic (PMID: 25817018). ClinVar contains an entry for this variant (Variation ID: 2058967). This variant has not been reported in the literature in individuals affected with TUBGCP4-related conditions. In summary, the currently available evidence indicates that the variant is pathogenic, but additional data are needed to prove that conclusively. Therefore, this variant has been classified as Likely Pathogenic. Algorithms developed to predict the effect of sequence changes on RNA splicing suggest that this variant may disrupt the consensus splice site.

Literature cited by the submitters: PubMed 16199547; PubMed 25817018.

NM_014444.5(TUBGCP4):c.1279+1G>T

Gene: TUBGCP4 (tubulin gamma complex component 4; plus strand). Cytogenetic location: 15q15.3.
Variant type: single nucleotide variant.
Coding change: c.1279+1G>T on transcript NM_014444.5 (MANE Select); the canonical splice donor site of the intron after coding-DNA position 1279, G replaced by T.
Molecular consequence: splice donor variant.
Genome position (GRCh38, 1-based): chr15:43,397,322, G>T. VCF-style: chr15-43397322-G-T. GRCh37 (hg19) VCF-style: chr15-43689520-G-T.
Other names: c.1279+1G>T (NM_001286414.3).
Identifiers: ClinVar variation 2058967 (VCV002058967.4), dbSNP rs769827351, ClinGen allele CA392132416.
Genomic context (GRCh38, chr15:43,397,322, plus strand): 5'-ATGACAACCTTCTCCCTCTGTTGCACTTGACAATCGAGTATCACGGAAAGGAGCACAAAG[G>T]TTTGCCATTCCTCCCTGCCACCTTAGAGTTCCTGCTGGTCATCATCCATTTTCCCATCTC-3'